The following is an entry in ClinVar:

NM_000092.5(COL4A4):c.764G>A (p.Gly255Glu)

Gene: COL4A4 (collagen type IV alpha 4 chain; minus strand). Cytogenetic location: 2q36.3.
Variant type: single nucleotide variant.
Coding change: c.764G>A on transcript NM_000092.5 (MANE Select); coding-DNA position 764, G replaced by A.
Protein change: p.Gly255Glu; replaces glycine 255 with glutamic acid.
Molecular consequence: missense variant.
Genome position (GRCh38, 1-based): chr2:227,104,024, C>T on the plus strand (G>A on the coding strand, the complement: COL4A4 is on the minus strand). VCF-style: chr2-227104024-C-T. GRCh37 (hg19) VCF-style: chr2-227968740-C-T.
Other names: short protein forms G255E.
Identifiers: ClinVar variation 1043110 (VCV001043110.8), dbSNP rs2060673481, ClinGen allele CA350858362.

ClinVar aggregate classification (germline): Uncertain significance (1 of 4 stars; one submission).

Submission:

Labcorp Genetics (formerly Invitae), Labcorp
Classification: Uncertain significance. Last evaluated: 2020-10-02. Review status: criteria provided, single submitter. Criteria: Invitae Variant Classification Sherloc (09022015). Collection method: clinical testing. Allele origin: germline.
Comment: In summary, the available evidence is currently insufficient to determine the role of this variant in disease. Therefore, it has been classified as a Variant of Uncertain Significance. Advanced modeling of protein sequence and biophysical properties (such as structural, functional, and spatial information, amino acid conservation, physicochemical variation, residue mobility, and thermodynamic stability) performed at Invitae indicates that this missense variant is expected to disrupt COL4A4 protein function. This variant has not been reported in the literature in individuals with COL4A4-related conditions. This variant is not present in population databases (ExAC no frequency). This sequence change replaces glycine with glutamic acid at codon 255 of the COL4A4 protein (p.Gly255Glu). The glycine residue is highly conserved and there is a moderate physicochemical difference between glycine and glutamic acid.